The following is an entry in ClinVar:

ClinVar aggregate classification (germline): Uncertain significance. Review status: criteria provided, multiple submitters, no conflicts (2 of 4 stars). 2 submissions from 2 submitters: Uncertain significance (2). Last evaluated 2025-10-22.

Conditions:
Werner syndrome (WRN). Identifiers: Orphanet 902, MedGen C0043119, MONDO:0010196, OMIM 277700.
Inborn genetic diseases. Identifiers: MedGen C0950123, MeSH D030342.

gnomAD v4.1: 7 of 1,613,600 alleles (0.00043%); highest among the groups gnomAD compares: African/African-American, 0.0013%; no homozygotes.

Submissions (2):

Ambry Genetics
Classification: Uncertain significance for Inborn genetic diseases. Last evaluated: 2025-10-22. Review status: criteria provided, single submitter. Criteria: Ambry Variant Classification Scheme 2023. Collection method: clinical testing. Allele origin: germline.

Labcorp Genetics (formerly Invitae), Labcorp
Classification: Uncertain significance for Werner syndrome. Last evaluated: 2025-05-14. Review status: criteria provided, single submitter. Criteria: Invitae Variant Classification Sherloc (09022015). Collection method: clinical testing. Allele origin: germline.
Comment: This sequence change replaces serine, which is neutral and polar, with tryptophan, which is neutral and slightly polar, at codon 394 of the WRN protein (p.Ser394Trp). This variant is present in population databases (rs200487813, gnomAD 0.004%). This variant has not been reported in the literature in individuals affected with WRN-related conditions. ClinVar contains an entry for this variant (Variation ID: 580861). An algorithm developed to predict the effect of missense changes on protein structure and function (PolyPhen-2) suggests that this variant is likely to be disruptive. In summary, the available evidence is currently insufficient to determine the role of this variant in disease. Therefore, it has been classified as a Variant of Uncertain Significance.

NM_000553.6(WRN):c.1181C>G (p.Ser394Trp)

Gene: WRN (WRN RecQ like helicase; plus strand). Cytogenetic location: 8p12.
Variant type: single nucleotide variant.
Coding change: c.1181C>G on transcript NM_000553.6 (MANE Select); coding-DNA position 1181, C replaced by G.
Protein change: p.Ser394Trp; replaces serine 394 with tryptophan.
Molecular consequence: missense variant.
Genome position (GRCh38, 1-based): chr8:31,081,208, C>G. VCF-style: chr8-31081208-C-G. GRCh37 (hg19) VCF-style: chr8-30938724-C-G.
Other names: short protein forms S394W.
Identifiers: ClinVar variation 580861 (VCV000580861.6), dbSNP rs200487813, ClinGen allele CA4704264.